The following is an entry in ClinVar:

ClinVar aggregate classification (germline): Conflicting classifications of pathogenicity. Review status: criteria provided, conflicting classifications (1 of 4 stars). 2 submissions from 2 submitters: Uncertain significance (1); Likely benign (1). Last evaluated 2025-05-03.

Conditions:
Hereditary cancer-predisposing syndrome. Also called: Neoplastic Syndromes, Hereditary; Tumor predisposition; Hereditary Cancer Syndrome; Hereditary neoplastic syndrome. Identifiers: Orphanet 140162, MedGen C0027672, MeSH D009386, MONDO:0015356.

Submissions (2):

Ambry Genetics
Classification: Likely benign for Hereditary cancer-predisposing syndrome. Last evaluated: 2025-05-03. Review status: criteria provided, single submitter. Criteria: Ambry Variant Classification Scheme 2023. Collection method: clinical testing. Allele origin: germline.

Color Diagnostics, LLC DBA Color Health
Classification: Uncertain significance for Hereditary cancer-predisposing syndrome. Last evaluated: 2023-12-04. Review status: criteria provided, single submitter. Criteria: ACMG Guidelines, 2015. Collection method: clinical testing. Allele origin: germline.
Comment: This missense variant replaces glutamic acid with aspartic acid at codon 381 of the MSH6 protein. Computational prediction suggests that this variant may not impact protein structure and function (internally defined REVEL score threshold <= 0.5, PMID: 27666373). To our knowledge, functional studies have not been reported for this variant. This variant has not been reported in individuals affected with MSH6-related disorders in the literature. This variant has not been identified in the general population by the Genome Aggregation Database (gnomAD). The available evidence is insufficient to determine the role of this variant in disease conclusively. Therefore, this variant is classified as a Variant of Uncertain Significance.

NM_000179.3(MSH6):c.1143G>C (p.Glu381Asp)

Gene: MSH6 (mutS homolog 6; plus strand). Cytogenetic location: 2p16.3.
Variant type: single nucleotide variant.
Coding change: c.1143G>C on transcript NM_000179.3 (MANE Select); coding-DNA position 1143, G replaced by C.
Protein change: p.Glu381Asp; replaces glutamic acid 381 with aspartic acid.
Molecular consequence: missense variant.
Genome position (GRCh38, 1-based): chr2:47,799,126, G>C. VCF-style: chr2-47799126-G-C. GRCh37 (hg19) VCF-style: chr2-48026265-G-C.
Other names: c.753G>C, p.Glu251Asp (NM_001281492.2); c.237G>C, p.Glu79Asp (NM_001281493.2, NM_001281494.2); short protein forms E251D, E381D, E79D.
Identifiers: ClinVar variation 919314 (VCV000919314.7), dbSNP rs1553412538, ClinGen allele CA346742160.